The following is an entry in ClinVar:

ClinVar aggregate classification (germline): Likely benign (1 of 4 stars; one submission).

Allele frequency attached by ClinVar (database versions not stated): 1000 Genomes Project 0.00060; 1000 Genomes Project 30x 0.00062; ESP Exome Variant Server 0.00162; gnomAD 0.00162; ExAC 0.00172.

Submission:

CeGaT Center for Human Genetics Tuebingen
Classification: Likely benign. Last evaluated: 2022-09-01. Review status: criteria provided, single submitter. Criteria: CeGaT Center For Human Genetics Tuebingen Variant Classification Criteria Version 2. Collection method: clinical testing. Allele origin: germline. Affected: yes. Observed: 1 variant allele.
Comment: PRSS57: BP4, BP7

NM_001308209.2(PRSS57):c.210G>C (p.Ser70=)

Gene: PRSS57 (serine protease 57; minus strand). Cytogenetic location: 19p13.3.
Variant type: single nucleotide variant.
Coding change: c.210G>C on transcript NM_001308209.2 (MANE Select); coding-DNA position 210, G replaced by C.
Protein change: p.Ser70=; no amino-acid change (serine 70 retained).
Molecular consequence: synonymous variant.
Genome position (GRCh38, 1-based): chr19:694,837, C>G on the plus strand (G>C on the coding strand, the complement: PRSS57 is on the minus strand). VCF-style: chr19-694837-C-G. GRCh37 (hg19) VCF-style: chr19-694837-C-G.
Other names: c.213G>C, p.Ser71= (NM_214710.5).
Identifiers: ClinVar variation 2648865 (VCV002648865.24), dbSNP rs143020154, ClinGen allele CA9022255.